The following is an entry in ClinVar:

NM_016219.5(MAN1B1):c.1980C>T (p.Phe660=)

Gene: MAN1B1 (mannosidase alpha class 1B member 1; plus strand). Cytogenetic location: 9q34.3.
Variant type: single nucleotide variant.
Coding change: c.1980C>T on transcript NM_016219.5 (MANE Select); coding-DNA position 1980, C replaced by T.
Protein change: p.Phe660=; no amino-acid change (phenylalanine 660 retained).
Molecular consequence: synonymous variant. On other transcripts: non-coding transcript variant (2).
Genome position (GRCh38, 1-based): chr9:137,108,471, C>T. VCF-style: chr9-137108471-C-T. GRCh37 (hg19) VCF-style: chr9-140002923-C-T.
Identifiers: ClinVar variation 211426 (VCV000211426.48), dbSNP rs140496149, ClinGen allele CA209036.
Genomic context (GRCh38, chr9:137,108,471, plus strand): 5'-CATCAACAATGTCCAGGATCCTCAGAAGCCCGAGCCTAGGGACAAGATGGAGAGCTTCTT[C>T]CTGGGGGAGACGCTCAAGTATCTGTTCTTGCTCTTCTCCGATGACCCAAACCTGCTCAGC-3'
Protein context (NP_057303.2, residues 650-670): PEPRDKMESF[Phe660=]LGETLKYLFL

ClinVar aggregate classification (germline): Conflicting classifications of pathogenicity. Review status: criteria provided, conflicting classifications (1 of 4 stars). 6 submissions from 6 submitters: Uncertain significance (1); Benign (2); Likely benign (3). Last evaluated 2026-02-02.

Conditions:
Rafiq syndrome (RAFQS). Identifiers: Orphanet 88616, MedGen C3280127, MONDO:0013624, OMIM 614202.
Inborn genetic diseases. Identifiers: MedGen C0950123, MeSH D030342.

Allele frequency attached by ClinVar (database versions not stated): 1000 Genomes Project 30x 0.00109; TOPMed 0.00113; 1000 Genomes Project 0.00140; gnomAD 0.00148 and 0.00171; gnomAD exomes 0.00199 and 0.00210; ESP Exome Variant Server 0.00208; ExAC 0.00234.
gnomAD v4.1: 3,158 of 1,613,942 alleles (0.2%); highest among the groups gnomAD compares: South Asian, 0.63%; 8 homozygotes.

Submissions (6):

Labcorp Genetics (formerly Invitae), Labcorp
Classification: Benign for Rafiq syndrome. Last evaluated: 2026-02-02. Review status: criteria provided, single submitter. Criteria: Invitae Variant Classification Sherloc (09022015). Collection method: clinical testing. Allele origin: germline.

CeGaT Center for Human Genetics Tuebingen
Classification: Benign. Last evaluated: 2025-10-01. Review status: criteria provided, single submitter. Criteria: CeGaT Center For Human Genetics Tuebingen Variant Classification Criteria Version 2. Collection method: clinical testing. Allele origin: germline. Affected: yes. Observed: 7 variant alleles.
Comment: MAN1B1: BS1, BS2

Blueprint Genetics
Classification: Likely benign. Last evaluated: 2024-11-26. Review status: criteria provided, single submitter. Criteria: ACMG Guidelines, 2015. Collection method: clinical testing. Allele origin: germline.

Illumina Laboratory Services, Illumina
Classification: Likely benign for Rafiq syndrome. Last evaluated: 2018-01-13. Review status: criteria provided, single submitter. Criteria: ICSL Variant Classification Criteria 13 December 2019. Collection method: clinical testing. Allele origin: germline.
Comment: This variant was observed in the ICSL laboratory as part of a predisposition screen in an ostensibly healthy population. It had not been previously curated by ICSL or reported in the Human Gene Mutation Database (HGMD: prior to June 1st, 2018), and was therefore a candidate for classification through an automated scoring system. Utilizing variant allele frequency, disease prevalence and penetrance estimates, and inheritance mode, an automated score was calculated to assess if this variant is too frequent to cause the disease. Based on the score and internal cut-off values, a variant classified as likely benign is not then subjected to further curation. The score for this variant resulted in a classification of likely benign for this disease.

Ambry Genetics
Classification: Likely benign for Inborn genetic diseases. Last evaluated: 2016-05-15. Review status: criteria provided, single submitter. Criteria: Ambry Variant Classification Scheme 2023. Collection method: clinical testing. Allele origin: germline.

Genetic Services Laboratory, University of Chicago
Classification: Uncertain significance. Last evaluated: 2014-09-14. Review status: criteria provided, single submitter. Criteria: ACMG Guidelines, 2015. Collection method: clinical testing. Allele origin: germline.